The following is an entry in ClinVar:

ClinVar aggregate classification (germline): Likely benign. Review status: criteria provided, multiple submitters, no conflicts (2 of 4 stars). 3 submissions from 3 submitters: Likely benign (2). 1 of the submissions does not count toward it. Last evaluated 2026-02-01.

Conditions:
AFF4-related disorder. Also called: AFF4-related condition.
Cognitive impairment - coarse facies - heart defects - obesity - pulmonary involvement - short stature - skeletal dysplasia syndrome. Also called: Chops syndrome; AFF4-Related CHOPS Syndrome; COGNITIVE IMPAIRMENT, COARSE FACIES, HEART DEFECTS, OBESITY, PULMONARY INVOLVEMENT, SHORT STATURE, AND SKELETAL DYSPLASIA. Identifiers: Orphanet 444077, MedGen C4085597, MONDO:0014609, OMIM 616368.

Allele frequency attached by ClinVar (database versions not stated): gnomAD exomes 0.00002 and 0.00004; ExAC 0.00004; TOPMed 0.00005; gnomAD 0.00006 and 0.00007; 1000 Genomes Project 30x 0.00031; 1000 Genomes Project 0.00040.
gnomAD v4.1: 46 of 1,614,176 alleles (0.0028%); highest among the groups gnomAD compares: Middle Eastern, 0.033%; 1 homozygote.

Submissions (3):

CeGaT Center for Human Genetics Tuebingen
Classification: Likely benign. Last evaluated: 2026-02-01. Review status: criteria provided, single submitter. Criteria: CeGaT Center For Human Genetics Tuebingen Variant Classification Criteria Version 2. Collection method: clinical testing. Allele origin: germline. Affected: yes. Observed: 2 variant alleles.
Comment: AFF4: BP4, BP7

Labcorp Genetics (formerly Invitae), Labcorp
Classification: Likely benign for Cognitive impairment - coarse facies - heart defects - obesity - pulmonary involvement - short stature - skeletal dysplasia syndrome. Last evaluated: 2025-08-31. Review status: criteria provided, single submitter. Criteria: Invitae Variant Classification Sherloc (09022015). Collection method: clinical testing. Allele origin: germline.

PreventionGenetics, part of Exact Sciences
Classification: Likely benign for AFF4-related condition. Last evaluated: 2023-02-20. Review status: no assertion criteria provided. Collection method: clinical testing. Allele origin: germline. Not counted in ClinVar's aggregate classification.
Comment: This variant is classified as likely benign based on ACMG/AMP sequence variant interpretation guidelines (Richards et al. 2015 PMID: 25741868, with internal and published modifications).

NM_014423.4(AFF4):c.624A>G (p.Gln208=)

Gene: AFF4 (ALF transcription elongation factor 4; minus strand). Cytogenetic location: 5q31.1.
Variant type: single nucleotide variant.
Coding change: c.624A>G on transcript NM_014423.4 (MANE Select); coding-DNA position 624, A replaced by G.
Protein change: p.Gln208=; no amino-acid change (glutamine 208 retained).
Molecular consequence: synonymous variant.
Genome position (GRCh38, 1-based): chr5:132,934,441, T>C on the plus strand (A>G on the coding strand, the complement: AFF4 is on the minus strand). VCF-style: chr5-132934441-T-C. GRCh37 (hg19) VCF-style: chr5-132270133-T-C.
Other names: c.624A>G (NM_014423.3).
Identifiers: ClinVar variation 1554358 (VCV001554358.16), dbSNP rs201137637, ClinGen allele CA3409401.